The following is an entry in ClinVar:

ClinVar aggregate classification (germline): Uncertain significance (1 of 4 stars; one submission).

Conditions:
PCNT-related disorder. Also called: PCNT-related condition.

gnomAD v4.1: 1 of 1,612,558 alleles (0.000062%); highest among the groups gnomAD compares: Non-Finnish European, 0.000085%; no homozygotes.

Submission:

PreventionGenetics, part of Exact Sciences
Classification: Uncertain significance for PCNT-related condition. Last evaluated: 2025-08-29. Review status: criteria provided, single submitter. Criteria: ACMG Guidelines, 2015. Collection method: clinical testing. Allele origin: germline.
Comment: The PCNT c.7543A>C variant is predicted to result in the amino acid substitution p.Ser2515Arg. To our knowledge, this variant has not been reported in the literature or in a large population database (gnomAD), indicating this variant is rare. At this time, the clinical significance of this variant is uncertain due to the absence of conclusive functional and genetic evidence.

NM_006031.6(PCNT):c.7543A>C (p.Ser2515Arg)

Gene: PCNT (pericentrin; plus strand). Cytogenetic location: 21q22.3.
Variant type: single nucleotide variant.
Coding change: c.7543A>C on transcript NM_006031.6 (MANE Select); coding-DNA position 7543, A replaced by C.
Protein change: p.Ser2515Arg; replaces serine 2515 with arginine.
Molecular consequence: missense variant.
Genome position (GRCh38, 1-based): chr21:46,428,443, A>C. VCF-style: chr21-46428443-A-C. GRCh37 (hg19) VCF-style: chr21-47848357-A-C.
Other names: c.7189A>C, p.Ser2397Arg (NM_001315529.2); short protein forms S2515R, S2397R.
Identifiers: ClinVar variation 4992488 (VCV004992488.1).